The following is an entry in ClinVar:

NM_000136.3(FANCC):c.1667_1670dup (p.Gln557fs)

Genes: FANCC (FA complementation group C; minus strand), AOPEP (aminopeptidase O (putative); plus strand). Cytogenetic location: 9q22.32.
Variant type: Duplication.
Coding change: c.1667_1670dup on transcript NM_000136.3 (MANE Select); coding-DNA positions 1667 to 1670, 4 bases duplicated (CTCA; older notation c.1667_1670dupCTCA).
Protein change: p.Gln557fs; shifts the reading frame from glutamine 557.
Molecular consequence: frameshift variant.
Genome position (GRCh38, 1-based): chr9:95,101,714-95,101,717, TGAG duplicated on the plus strand (CTCA on the coding strand, the reverse complement: FANCC is on the minus strand); duplicating any 4 consecutive bases within chr9:95,101,714-95,101,718 gives the same sequence; the c. name uses the placement nearest the transcript's 3' end. VCF-style (leftmost placement, unchanged base first): chr9-95101713-T-TTGAG. GRCh37 (hg19) VCF-style: chr9-97863995-T-TTGAG.
Other names: c.1667_1670dup, p.Gln557fs (NM_001243743.2); c.1667_1670dupCTCA (NM_000136.2); short protein forms Q557fs.
Identifiers: ClinVar variation 2585984 (VCV002585984.2), dbSNP rs2540749080, ClinGen allele CA2582342007.

ClinVar aggregate classification (germline): Uncertain significance (1 of 4 stars; one submission).

Conditions:
Hereditary cancer-predisposing syndrome. Also called: Hereditary neoplastic syndrome; Tumor predisposition; Hereditary Cancer Syndrome; Neoplastic Syndromes, Hereditary. Identifiers: Orphanet 140162, MedGen C0027672, MeSH D009386, MONDO:0015356.

Submission:

Ambry Genetics
Classification: Uncertain significance for Hereditary cancer-predisposing syndrome. Last evaluated: 2023-08-24. Review status: criteria provided, single submitter. Criteria: Ambry Variant Classification Scheme 2023. Collection method: clinical testing. Allele origin: germline.
Comment: The c.1667_1670dupCTCA variant, located in coding exon 14 of the FANCC gene, results from a duplication of CTCA at nucleotide position 1667, causing a translational frameshift with a predicted alternate stop codon (p.Q557Hfs*43). This alteration disrupts the stop codon of the FANCC gene and impacts only the last 2 amino acids of the native protein while resulting in the elongation of the protein by 41 amino acids. The exact functional effect of the additional amino acids is unknown. Since supporting evidence is limited at this time, the clinical significance of this alteration remains unclear.